The following is an entry in ClinVar:

NM_001378457.1(DMXL2):c.2137C>T (p.Arg713Cys)

Gene: DMXL2 (Dmx like 2; minus strand). Cytogenetic location: 15q21.2.
Variant type: single nucleotide variant.
Coding change: c.2137C>T on transcript NM_001378457.1 (MANE Select); coding-DNA position 2137, C replaced by T.
Protein change: p.Arg713Cys; replaces arginine 713 with cysteine.
Molecular consequence: missense variant. On other transcripts: non-coding transcript variant (2).
Genome position (GRCh38, 1-based): chr15:51,536,343, G>A on the plus strand (C>T on the coding strand, the complement: DMXL2 is on the minus strand). VCF-style: chr15-51536343-G-A. GRCh37 (hg19) VCF-style: chr15-51828540-G-A.
Other names: c.2137C>T, p.Arg713Cys (NM_001174116.3, NM_001174117.3, NM_001378458.1 and 6 more transcripts); c.1897C>T, p.Arg633Cys (NM_001378464.1); short protein forms R633C, R713C.
Identifiers: ClinVar variation 1924386 (VCV001924386.2), dbSNP rs183834316, ClinGen allele CA7562441.
Genomic context (GRCh38, chr15:51,536,343, plus strand): 5'-TTGGGTCTACACGCCACAGAATAAGTTCACTGTAGATTGCATTTGGGTCATGAAATGTAC[G>A]AGTTGCTGCATTTCTAAGAGGTTGTTTCGAGGAACCTTTTATATGTTTTACAGGGTCCAT-3'
Protein context (NP_001365386.1, residues 703-723): SKQPLRNAAT[Arg713Cys]TFHDPNAIYS

ClinVar aggregate classification (germline): Uncertain significance (1 of 4 stars; one submission).

Allele frequency attached by ClinVar (database versions not stated): gnomAD exomes 0.00001; ExAC 0.00002; gnomAD 0.00003; TOPMed 0.00003; 1000 Genomes Project 30x 0.00016; 1000 Genomes Project 0.00020.
gnomAD v4.1: 26 of 1,613,940 alleles (0.0016%); highest among the groups gnomAD compares: Admixed American, 0.0033%; no homozygotes.

Submission:

Labcorp Genetics (formerly Invitae), Labcorp
Classification: Uncertain significance. Last evaluated: 2022-06-17. Review status: criteria provided, single submitter. Criteria: Invitae Variant Classification Sherloc (09022015). Collection method: clinical testing. Allele origin: germline.
Comment: This sequence change replaces arginine, which is basic and polar, with cysteine, which is neutral and slightly polar, at codon 713 of the DMXL2 protein (p.Arg713Cys). This variant is present in population databases (rs183834316, gnomAD 0.02%). This variant has not been reported in the literature in individuals affected with DMXL2-related conditions. Algorithms developed to predict the effect of missense changes on protein structure and function output the following: SIFT: "Deleterious"; PolyPhen-2: "Benign"; Align-GVGD: "Class C0". The cysteine amino acid residue is found in multiple mammalian species, which suggests that this missense change does not adversely affect protein function. In summary, the available evidence is currently insufficient to determine the role of this variant in disease. Therefore, it has been classified as a Variant of Uncertain Significance.